The following is an entry in ClinVar:

ClinVar aggregate classification (germline): Conflicting classifications of pathogenicity. Review status: criteria provided, conflicting classifications (1 of 4 stars). 3 submissions from 3 submitters: Uncertain significance (1); Likely benign (2). Last evaluated 2026-01-29.

Conditions:
NPHP4-related disorder. Also called: NPHP4-related condition; NPHP4-related disorders. Identifiers: MedGen CN239384.
Nephronophthisis. Also called: Juvenile Nephronophthisis. Identifiers: Orphanet 655, MedGen C0687120, MONDO:0019005, HP:0000090.

Allele frequency attached by ClinVar (database versions not stated): gnomAD 0.00001; gnomAD exomes 0.00002; ExAC 0.00004; TOPMed 0.00005.
gnomAD v4.1: 35 of 1,599,156 alleles (0.0022%); highest among the groups gnomAD compares: South Asian, 0.0057%; no homozygotes.

Submissions (3):

PreventionGenetics, part of Exact Sciences
Classification: Likely benign for NPHP4-related condition. Last evaluated: 2026-01-29. Review status: criteria provided, single submitter. Criteria: ACMG Guidelines, 2015. Collection method: clinical testing. Allele origin: germline.
Comment: This variant is classified as likely benign based on ACMG/AMP sequence variant interpretation guidelines (Richards et al. 2015 PMID: 25741868, with internal and published modifications).

Labcorp Genetics (formerly Invitae), Labcorp
Classification: Likely benign for Nephronophthisis. Last evaluated: 2025-10-31. Review status: criteria provided, single submitter. Criteria: Invitae Variant Classification Sherloc (09022015). Collection method: clinical testing. Allele origin: germline.

Eurofins Ntd Llc (ga)
Classification: Uncertain significance. Last evaluated: 2017-05-03. Review status: criteria provided, single submitter. Criteria: EGL Classification Definitions 2015. Collection method: clinical testing. Allele origin: germline. Observed: 1 variant allele, 1 heterozygote.

NM_015102.5(NPHP4):c.678C>T (p.Asp226=)

Gene: NPHP4 (nephrocystin 4; minus strand). Cytogenetic location: 1p36.31.
Variant type: single nucleotide variant.
Coding change: c.678C>T on transcript NM_015102.5 (MANE Select); coding-DNA position 678, C replaced by T.
Protein change: p.Asp226=; no amino-acid change (aspartic acid 226 retained).
Molecular consequence: synonymous variant. On other transcripts: 5 prime UTR variant (1), non-coding transcript variant (1), intron variant (1).
Genome position (GRCh38, 1-based): chr1:5,952,832, G>A on the plus strand (C>T on the coding strand, the complement: NPHP4 is on the minus strand). VCF-style: chr1-5952832-G-A. GRCh37 (hg19) VCF-style: chr1-6012892-G-A.
Other names: c.678C>T (NM_015102.4); c.-689C>T (NM_001291594.2); c.-556-4581C>T (NM_001291593.2).
Identifiers: ClinVar variation 501680 (VCV000501680.13), dbSNP rs755363322, ClinGen allele CA554754.